The following is an entry in ClinVar:

ClinVar aggregate classification (germline): Likely pathogenic (1 of 4 stars; one submission).

Conditions:
Duchenne muscular dystrophy (DMD). Also called: Duchenne Muscular Dystrophy (DMD); MUSCULAR DYSTROPHY, PSEUDOHYPERTROPHIC PROGRESSIVE, DUCHENNE TYPE. Identifiers: Orphanet 98896, MedGen C0013264, MONDO:0010679, OMIM 310200.

Submission:

Institute of Medical Genetics and Genomics, Sir Ganga Ram Hospital
Classification: Likely pathogenic for Duchenne muscular dystrophy. Last evaluated: 2025-06-03. Review status: criteria provided, single submitter. Criteria: ACMG Guidelines, 2015. Collection method: clinical testing. Allele origin: germline. Inheritance: X-linked inheritance. Affected: yes. Observed: 1 hemizygote.
Comment: This variant, NM_004006.3(DMD):c.1327del (p.Ser443Alafs*7), is classified as likely pathogenic based on the ACMG/AMP criteria. The deletion causes a frameshift and premature stop codon (p.Ser443Alafs*7), predicted to result in a truncated dystrophin protein. Such loss-of-function variants are a known mechanism of disease in Duchenne muscular dystrophy (DMD), a severe X-linked recessive neuromuscular disorder. Supporting evidence includes PVS1_Strong (frameshift resulting in a predicted null effect in a gene with a known loss-of-function (LOF) mechanism) in exon 11 and PM2 (absence in large population databases, such as gnomAD). This variant is novel and has not been previously reported in the literature or large population databases.

NM_004006.3(DMD):c.1327del (p.Ser443fs)

Gene: DMD (dystrophin; minus strand). Cytogenetic location: Xp21.1.
Variant type: Deletion.
Coding change: c.1327del on transcript NM_004006.3 (MANE Select); coding-DNA position 1327, one base deleted (A; older notation c.1327delA).
Protein change: p.Ser443fs; shifts the reading frame from serine 443.
Molecular consequence: frameshift variant.
Genome position (GRCh38, 1-based): chrX:32,644,136, T deleted on the plus strand (A on the coding strand, the reverse complement: DMD is on the minus strand); the first of 3 consecutive T bases (chrX:32,644,136-32,644,138); deleting any one gives the same sequence. VCF-style (leftmost placement, unchanged base first): chrX-32644135-CT-C. GRCh37 (hg19) VCF-style: chrX-32662252-CT-C.
Other names: c.1303del, p.Ser435fs (NM_000109.4); c.1315del, p.Ser439fs (NM_004009.3); c.958del, p.Ser320fs (NM_004010.3); short protein forms S320fs, S435fs, S439fs, S443fs.
Identifiers: ClinVar variation 3900755 (VCV003900755.1).
Genomic context (GRCh38, chrX:32,644,135, plus strand): 5'-AATCACAAGCTTCCAAAACTTGTTAGTCTTCTTAATTAAAAACAAATAAGGACTTACTTG[CT>C]TTGTTTTTCCATGCTAGCTACCCTGAGGCATTCCCATCTTGAATTTAGGAGATTCATCTG-3'